The following is an entry in ClinVar:

ClinVar aggregate classification (germline): Uncertain significance (1 of 4 stars; one submission).

gnomAD v4.1: 8 of 1,614,158 alleles (0.0005%); highest among the groups gnomAD compares: East Asian, 0.018%; no homozygotes.

Submission:

Labcorp Genetics (formerly Invitae), Labcorp
Classification: Uncertain significance. Last evaluated: 2025-12-23. Review status: criteria provided, single submitter. Criteria: Invitae Variant Classification Sherloc (09022015). Collection method: clinical testing. Allele origin: germline.
Comment: This sequence change replaces threonine, which is neutral and polar, with serine, which is neutral and polar, at codon 1113 of the NLRP1 protein (p.Thr1113Ser). This variant is present in population databases (no rsID available, gnomAD 0.01%). This variant has not been reported in the literature in individuals affected with NLRP1-related conditions. An algorithm developed to predict the effect of missense changes on protein structure and function (PolyPhen-2) suggests that this variant is likely to be disruptive. In summary, the available evidence is currently insufficient to determine the role of this variant in disease. Therefore, it has been classified as a Variant of Uncertain Significance.

NM_033004.4(NLRP1):c.3337A>T (p.Thr1113Ser)

Gene: NLRP1 (NLR family pyrin domain containing 1; minus strand). Cytogenetic location: 17p13.2.
Variant type: single nucleotide variant.
Coding change: c.3337A>T on transcript NM_033004.4 (MANE Select); coding-DNA position 3337, A replaced by T.
Protein change: p.Thr1113Ser; replaces threonine 1113 with serine.
Molecular consequence: missense variant.
Genome position (GRCh38, 1-based): chr17:5,530,664, T>A on the plus strand (A>T on the coding strand, the complement: NLRP1 is on the minus strand). VCF-style: chr17-5530664-T-A. GRCh37 (hg19) VCF-style: chr17-5433984-T-A.
Other names: c.3349A>T, p.Thr1117Ser (NM_001033053.3); c.3337A>T, p.Thr1113Ser (NM_014922.5); c.3247A>T, p.Thr1083Ser (NM_033006.4, NM_033007.4); short protein forms T1083S, T1117S, T1113S.
Identifiers: ClinVar variation 4769576 (VCV004769576.1).
Genomic context (GRCh38, chr17:5,530,664, plus strand): 5'-CCCACACACAGAATTCAATCTCAACGGTCACCGCTTCTCTCATCACAAAGCAGAGACCCG[T>A]GTTGGGCCAGCGGTAGGAGCCAGCTACAGGGAAGTGAACTCTGGGAAGAAGAGGGAGAGG-3'
Protein context (NP_127497.1, residues 1103-1123): PVAGSYRWPN[Thr1113Ser]GLCFVMREAV